The following is an entry in ClinVar:

NM_003718.5(CDK13):c.1872-6_1872-3del

Gene: CDK13 (cyclin dependent kinase 13; plus strand). Cytogenetic location: 7p14.1.
Variant type: Deletion.
Coding change: c.1872-6_1872-3del on transcript NM_003718.5 (MANE Select); 6 bases into the intron before coding-DNA position 1872 through 3 bases into the intron before coding-DNA position 1872, 4 bases deleted (TTTC; older notation c.1872-6_1872-3delTTTC).
Molecular consequence: intron variant.
Genome position (GRCh38, 1-based): chr7:39,997,488-39,997,491, TTTC deleted; deleting any 4 consecutive bases within chr7:39,997,487-39,997,491 gives the same sequence; the c. name uses the placement nearest the transcript's 3' end. VCF-style (leftmost placement, unchanged base first): chr7-39997486-ACTTT-A. GRCh37 (hg19) VCF-style: chr7-40037085-ACTTT-A.
Other names: c.1872-6_1872-3del (NM_031267.3).
Identifiers: ClinVar variation 2100061 (VCV002100061.4), dbSNP rs752595381, ClinGen allele CA4228594.

ClinVar aggregate classification (germline): Uncertain significance (1 of 4 stars; one submission).

Submission:

Labcorp Genetics (formerly Invitae), Labcorp
Classification: Uncertain significance. Last evaluated: 2024-04-22. Review status: criteria provided, single submitter. Criteria: Invitae Variant Classification Sherloc (09022015). Collection method: clinical testing. Allele origin: germline.
Comment: This sequence change falls in intron 2 of the CDK13 gene. It does not directly change the encoded amino acid sequence of the CDK13 protein. It affects a nucleotide within the consensus splice site. This variant is present in population databases (rs752595381, gnomAD 0.008%). This variant has not been reported in the literature in individuals affected with CDK13-related conditions. ClinVar contains an entry for this variant (Variation ID: 2100061). Variants that disrupt the consensus splice site are a relatively common cause of aberrant splicing (PMID: 17576681, 9536098). Algorithms developed to predict the effect of sequence changes on RNA splicing suggest that this variant is not likely to affect RNA splicing. In summary, the available evidence is currently insufficient to determine the role of this variant in disease. Therefore, it has been classified as a Variant of Uncertain Significance.

Literature cited by the submitters: PubMed 17576681; PubMed 9536098.